The following is an entry in ClinVar:

NM_001197104.2(KMT2A):c.5387T>C (p.Val1796Ala)

Gene: KMT2A (lysine methyltransferase 2A; plus strand). Cytogenetic location: 11q23.3.
Variant type: single nucleotide variant.
Coding change: c.5387T>C on transcript NM_001197104.2 (MANE Select); coding-DNA position 5387, T replaced by C.
Protein change: p.Val1796Ala; replaces valine 1796 with alanine.
Molecular consequence: missense variant.
Genome position (GRCh38, 1-based): chr11:118,495,723, T>C. VCF-style: chr11-118495723-T-C. GRCh37 (hg19) VCF-style: chr11-118366438-T-C.
Other names: c.5477T>C, p.Val1826Ala (NM_001412597.1); c.5378T>C, p.Val1793Ala (NM_005933.4); short protein forms V1793A, V1796A, V1826A.
Identifiers: ClinVar variation 4885687 (VCV004885687.2).

ClinVar aggregate classification (germline): Uncertain significance (1 of 4 stars; one submission).

Submission:

Dasa
Classification: Uncertain significance. Last evaluated: 2025-04-13. Review status: criteria provided, single submitter. Criteria: DASA Assertion Criteria. Collection method: clinical testing. Allele origin: germline.
Comment: NM_001197104.2(KMT2A):c.5387T>C (p.Val1796Ala) is a missense variant that results in the substitution of valine with alanine. This variant is absent from population databases. The currently available literature and clinical evidence are not sufficient to establish a definitive association between this variant and the reported condition. Therefore, this variant is classified as a variant of uncertain significance.